The following is an entry in ClinVar:

NM_001267550.2(TTN):c.39343G>A (p.Val13115Ile)

Gene: TTN (titin; minus strand). Cytogenetic location: 2q31.2.
Variant type: single nucleotide variant.
Coding change: c.39343G>A on transcript NM_001267550.2 (MANE Select); coding-DNA position 39343, G replaced by A.
Protein change: p.Val13115Ile; replaces valine 13115 with isoleucine.
Molecular consequence: missense variant. On other transcripts: intron variant (3).
Genome position (GRCh38, 1-based): chr2:178,651,920, C>T on the plus strand (G>A on the coding strand, the complement: TTN is on the minus strand). VCF-style: chr2-178651920-C-T. GRCh37 (hg19) VCF-style: chr2-179516647-C-T.
Other names: c.13859-9603G>A (NM_133437.4); c.13658-9603G>A (NM_133432.3); c.13283-9603G>A (NM_003319.4); c.34822G>A, p.Val11608Ile (NM_001256850.1); c.32041G>A, p.Val10681Ile (NM_133378.4); short protein forms V10681I, V11608I, V13115I.
Identifiers: ClinVar variation 3392571 (VCV003392571.2).

ClinVar aggregate classification (germline): Uncertain significance. Review status: criteria provided, multiple submitters, no conflicts (2 of 4 stars). 2 submissions from 2 submitters: Uncertain significance (2). Last evaluated 2026-09-01.

Conditions:
TTN-related disorder. Also called: TTN-related condition; TTN-related disease; TTN-related disorders.

gnomAD v4.1: 115 of 1,610,232 alleles (0.0071%); highest among the groups gnomAD compares: Non-Finnish European, 0.0093%; no homozygotes.

Submissions (2):

PreventionGenetics, part of Exact Sciences
Classification: Uncertain significance for TTN-related condition. Last evaluated: 2026-09-01. Review status: criteria provided, single submitter. Criteria: ACMG Guidelines, 2015. Collection method: clinical testing. Allele origin: germline.
Comment: The TTN c.39343G>A variant is predicted to result in the amino acid substitution p.Val13115Ile. To our knowledge, this variant has not been reported in the literature. This variant is reported in 0.0032% of alleles in individuals of European (Non-Finnish) descent in gnomAD. At this time, the clinical significance of this variant is uncertain due to the absence of conclusive functional and genetic evidence.

GeneDx
Classification: Uncertain significance. Last evaluated: 2024-06-25. Review status: criteria provided, single submitter. Criteria: GeneDx Variant Classification Process June 2021. Collection method: clinical testing. Allele origin: germline. Affected: yes.
Comment: Not observed at significant frequency in large population cohorts (gnomAD); Missense variant in a gene in which most reported pathogenic variants are truncating/loss of function; Has not been previously published as pathogenic or benign to our knowledge